The following is an entry in ClinVar:

NM_021922.3(FANCE):c.74C>T (p.Pro25Leu)

Genes: FANCE (FA complementation group E; plus strand), LOC129996245 (ATAC-STARR-seq lymphoblastoid silent region 17092; plus strand). Cytogenetic location: 6p21.31.
Variant type: single nucleotide variant.
Coding change: c.74C>T on transcript NM_021922.3 (MANE Select); coding-DNA position 74, C replaced by T.
Protein change: p.Pro25Leu; replaces proline 25 with leucine.
Molecular consequence: missense variant.
Genome position (GRCh38, 1-based): chr6:35,452,619, C>T. VCF-style: chr6-35452619-C-T. GRCh37 (hg19) VCF-style: chr6-35420396-C-T.
Other names: c.74C>T, p.Pro25Leu (NM_001410876.1); short protein forms P25L.
Identifiers: ClinVar variation 2173658 (VCV002173658.6), dbSNP rs1767151288, ClinGen allele CA363770019.
Genomic context (GRCh38, chr6:35,452,619, plus strand): 5'-ACGCGGGGCTCCCTGGGGCTGAGGGCGTGGAGCCGGCGCCCTGGGCGCAGCTGGAGGCCC[C>T]CGCCCGCCTCCTGCTGCAGGCGCTGCAGGCGGGGCCTGAGGGGGCGCGGCGCGGCCTGGG-3'
Protein context (NP_068741.1, residues 15-35): EPAPWAQLEA[Pro25Leu]ARLLLQALQA

ClinVar aggregate classification (germline): Uncertain significance. Review status: criteria provided, multiple submitters, no conflicts (2 of 4 stars). 2 submissions from 2 submitters: Uncertain significance (2). Last evaluated 2025-11-06.

Conditions:
Fanconi anemia complementation group E (FANCE). Also called: FANCE-Related Fanconi Anemia. Identifiers: Orphanet 84, MedGen C3160739, MONDO:0010953, OMIM 600901.

Allele frequency attached by ClinVar (database versions not stated): gnomAD 0.00001; gnomAD exomes below 0.00001; TOPMed below 0.00001.
gnomAD v4.1: 6 of 1,281,444 alleles (0.00047%); highest among the groups gnomAD compares: Non-Finnish European, 0.00059%; no homozygotes.

Submissions (2):

Dasa
Classification: Uncertain significance. Last evaluated: 2025-11-06. Review status: criteria provided, single submitter. Criteria: DASA Assertion Criteria. Collection method: clinical testing. Allele origin: germline.
Comment: NM_021922.3(FANCE):c.74C>T (p.Pro25Leu) is a missense variant that results in the substitution of proline with leucine. This variant is rare in population databases. The currently available literature and clinical evidence are not sufficient to establish a definitive association between this variant and the reported condition. Therefore, this variant is classified as a variant of uncertain significance.

Labcorp Genetics (formerly Invitae), Labcorp
Classification: Uncertain significance for Fanconi anemia complementation group E. Last evaluated: 2025-02-17. Review status: criteria provided, single submitter. Criteria: Invitae Variant Classification Sherloc (09022015). Collection method: clinical testing. Allele origin: germline.
Comment: This sequence change replaces proline, which is neutral and non-polar, with leucine, which is neutral and non-polar, at codon 25 of the FANCE protein (p.Pro25Leu). This variant is not present in population databases (gnomAD no frequency). This variant has not been reported in the literature in individuals affected with FANCE-related conditions. ClinVar contains an entry for this variant (Variation ID: 2173658). Invitae Evidence Modeling of protein sequence and biophysical properties (such as structural, functional, and spatial information, amino acid conservation, physicochemical variation, residue mobility, and thermodynamic stability) indicates that this missense variant is expected to disrupt FANCE protein function with a positive predictive value of 80%. In summary, the available evidence is currently insufficient to determine the role of this variant in disease. Therefore, it has been classified as a Variant of Uncertain Significance.